The following is an entry in ClinVar:

NM_001994.3(F13B):c.*89G>C

Gene: F13B (coagulation factor XIII B chain; minus strand). Cytogenetic location: 1q31.3.
Variant type: single nucleotide variant.
Coding change: c.*89G>C on transcript NM_001994.3 (MANE Select); 89 bases downstream of the stop codon, G replaced by C.
Molecular consequence: 3 prime UTR variant.
Genome position (GRCh38, 1-based): chr1:197,039,289, C>G on the plus strand (G>C on the coding strand, the complement: F13B is on the minus strand). VCF-style: chr1-197039289-C-G. GRCh37 (hg19) VCF-style: chr1-197008419-C-G.
Identifiers: ClinVar variation 294567 (VCV000294567.6), dbSNP rs17549873, ClinGen allele CA10609201.
Genomic context (GRCh38, chr1:197,039,289, plus strand): 5'-AAATAACGAAATGTTCAGCACAAATAATTTAGATTCAAATATTTAAGCAAGGAAAAACTC[C>G]GAAGTTTTTAACTTATTTCCTCAAAATTATATTTTATAAGGAATTTCATGATGTATTGAA-3'

ClinVar aggregate classification (germline): Likely benign. Review status: criteria provided, multiple submitters, no conflicts (2 of 4 stars). 2 submissions from 2 submitters: Likely benign (2). Last evaluated 2018-01-12.

Conditions:
Factor XIII, b subunit, deficiency of. Also called: Factor XIII subunit B deficiency. Identifiers: Orphanet 331, MedGen C2750481, MONDO:0013190, OMIM 613235, HP:0040234.

Allele frequency attached by ClinVar (database versions not stated): gnomAD 0.01500; TOPMed 0.01616; 1000 Genomes Project 0.01657; 1000 Genomes Project 30x 0.01749.
gnomAD v4.1: 4,642 of 1,140,274 alleles (0.41%); highest among the groups gnomAD compares: African/African-American, 4.9%; 89 homozygotes.

Submissions (2):

Illumina Laboratory Services, Illumina
Classification: Likely benign for Factor XIII, b subunit, deficiency of. Last evaluated: 2018-01-12. Review status: criteria provided, single submitter. Criteria: ICSL Variant Classification Criteria 13 December 2019. Collection method: clinical testing. Allele origin: germline.
Comment: This variant was observed in the ICSL laboratory as part of a predisposition screen in an ostensibly healthy population. It had not been previously curated by ICSL or reported in the Human Gene Mutation Database (HGMD: prior to June 1st, 2018), and was therefore a candidate for classification through an automated scoring system. Utilizing variant allele frequency, disease prevalence and penetrance estimates, and inheritance mode, an automated score was calculated to assess if this variant is too frequent to cause the disease. Based on the score and internal cut-off values, a variant classified as likely benign is not then subjected to further curation. The score for this variant resulted in a classification of likely benign for this disease.

Breakthrough Genomics
Classification: Likely benign. Review status: criteria provided, single submitter. Criteria: ACMG Guidelines, 2015. Collection method: not provided. Allele origin: germline. Inheritance: Autosomal recessive inheritance. Affected: yes.